The following is an entry in ClinVar:

NM_153033.5(KCTD7):c.185_186delinsCT (p.Phe62Ser)

Gene: KCTD7 (potassium channel tetramerization domain containing 7; plus strand). Cytogenetic location: 7q11.21.
Variant type: Indel.
Coding change: c.185_186delinsCT on transcript NM_153033.5 (MANE Select); coding-DNA positions 185 to 186, TC replaced by CT.
Protein change: p.Phe62Ser; replaces phenylalanine 62 with serine.
Molecular consequence: missense variant.
Genome position (GRCh38, 1-based): chr7:66,633,315-66,633,316, TC replaced by CT. VCF-style: chr7-66633315-TC-CT. GRCh37 (hg19) VCF-style: chr7-66098302-TC-CT.
Other names: c.185_186delinsCT, p.Phe62Ser (NM_001167961.2); short protein forms F62S.
Identifiers: ClinVar variation 1781306 (VCV001781306.2), dbSNP rs2535241138, ClinGen allele CA2580077290.

ClinVar aggregate classification (germline): Uncertain significance (1 of 4 stars; one submission).

Conditions:
Inborn genetic diseases. Identifiers: MedGen C0950123, MeSH D030342.

Submission:

Ambry Genetics
Classification: Uncertain significance for Inborn genetic diseases. Last evaluated: 2017-12-20. Review status: criteria provided, single submitter. Criteria: Ambry Variant Classification Scheme 2023. Collection method: clinical testing. Allele origin: germline.
Comment: The c.185_186delTCinsCT variant, located in coding exon 2 of the KCTD7 gene, results from an in-frame deletion of TC and insertion of CT at nucleotide positions 185 to 186. This results in the substitution of the phenylalanine residue for a serine residue at codon 62, an amino acid with highly dissimilar properties. This amino acid position is highly conserved in available vertebrate species. Since supporting evidence is limited at this time, the clinical significance of this alteration remains unclear.